The following is an entry in ClinVar:

ClinVar aggregate classification (germline): Likely benign. Review status: criteria provided, multiple submitters, no conflicts (2 of 4 stars). 3 submissions from 3 submitters: Likely benign (3). Last evaluated 2024-12-25.

Conditions:
Inborn genetic diseases. Identifiers: MedGen C0950123, MeSH D030342.

Allele frequency attached by ClinVar (database versions not stated): gnomAD exomes below 0.00001.
gnomAD v4.1: 3 of 1,613,722 alleles (0.00019%); highest among the groups gnomAD compares: Non-Finnish European, 0.00025%; no homozygotes.

Submissions (3):

Ambry Genetics
Classification: Likely benign for Inborn genetic diseases. Last evaluated: 2024-12-25. Review status: criteria provided, single submitter. Criteria: Ambry Variant Classification Scheme 2023. Collection method: clinical testing. Allele origin: germline.

Labcorp Genetics (formerly Invitae), Labcorp
Classification: Likely benign. Last evaluated: 2023-01-03. Review status: criteria provided, single submitter. Criteria: Invitae Variant Classification Sherloc (09022015). Collection method: clinical testing. Allele origin: germline.

CeGaT Center for Human Genetics Tuebingen
Classification: Likely benign. Last evaluated: 2022-06-01. Review status: criteria provided, single submitter. Criteria: CeGaT Center For Human Genetics Tuebingen Variant Classification Criteria Version 2. Collection method: clinical testing. Allele origin: germline. Affected: yes. Observed: 1 variant allele.
Comment: ANKRD26: BP4, BP7

NM_014915.3(ANKRD26):c.3406T>C (p.Leu1136=)

Gene: ANKRD26 (ankyrin repeat domain 26; minus strand). Cytogenetic location: 10p12.1.
Variant type: single nucleotide variant.
Coding change: c.3406T>C on transcript NM_014915.3 (MANE Select); coding-DNA position 3406, T replaced by C.
Protein change: p.Leu1136=; no amino-acid change (leucine 1136 retained).
Molecular consequence: synonymous variant.
Genome position (GRCh38, 1-based): chr10:27,035,044, A>G on the plus strand (T>C on the coding strand, the complement: ANKRD26 is on the minus strand). VCF-style: chr10-27035044-A-G. GRCh37 (hg19) VCF-style: chr10-27323973-A-G.
Other names: c.3403T>C, p.Leu1135= (NM_001256053.2).
Identifiers: ClinVar variation 1694559 (VCV001694559.35), dbSNP rs1252329929, ClinGen allele CA468659676.
Genomic context (GRCh38, chr10:27,035,044, plus strand): 5'-TGTTGTGGGCATCATCCAGTTGTTGTCGAAGCAACATATTCTCACTTTGTAGTTGAGACA[A>G]TCTCTCCTCTACAGACTCCTGCTTTCCAATGTATTTATTCACTTTAACTTGTTCATTTTG-3'
Protein context (NP_055730.2, residues 1126-1146): IGKQESVEER[Leu1136=]SQLQSENMLL